The following is an entry in ClinVar:

NC_000014.8:g.(?_77743699)_(78082942_?)dup

Genes: VIPAS39 (VPS33B interacting protein, apical-basolateral polarity regulator, spe-39 homolog; minus strand), POMT2 (protein O-mannosyltransferase 2; minus strand), ISM2 (isthmin 2; minus strand), TMED8 (transmembrane p24 trafficking protein family member 8; minus strand), AHSA1 (activator of HSP90 ATPase activity 1; plus strand) and 22 more. Cytogenetic location: 14q24.3.
Variant type: Duplication.
Identifiers: ClinVar variation 662860 (VCV000662860.1).

ClinVar aggregate classification (germline): Uncertain significance (1 of 4 stars; one submission).

Conditions:
Neuropathy, hereditary sensory and autonomic, type 1C. Also called: HSAN IC; HSN IC. Identifiers: Orphanet 36386, MedGen C3150896, MONDO:0013337, OMIM 613640.

Submission:

Labcorp Genetics (formerly Invitae), Labcorp
Classification: Uncertain significance for Hereditary sensory and autonomic neuropathy type IC. Last evaluated: 2018-08-15. Review status: criteria provided, single submitter. Criteria: Invitae Variant Classification Sherloc (09022015). Collection method: clinical testing. Allele origin: germline.
Comment: This variant results in a copy number gain of the genomic region encompassing the full coding sequence of the SPTLC2 gene. The boundaries of this event are unknown as they extend beyond the assayed region for this gene and therefore may encompass additional genes. As the precise location of this event is unknown, it may be in tandem or it may be located elsewhere in the genome. This variant has not been reported in the literature in individuals with SPTLC2-related disease. In summary, the available evidence is currently insufficient to determine the role of this variant in disease. Therefore, it has been classified as a Variant of Uncertain Significance.